The following is an entry in ClinVar:

NM_001384474.1(LOXHD1):c.1736G>C (p.Gly579Ala)

Gene: LOXHD1 (lipoxygenase homology PLAT domains 1; minus strand). Cytogenetic location: 18q21.1.
Variant type: single nucleotide variant.
Coding change: c.1736G>C on transcript NM_001384474.1 (MANE Select); coding-DNA position 1736, G replaced by C.
Protein change: p.Gly579Ala; replaces glycine 579 with alanine.
Molecular consequence: missense variant.
Genome position (GRCh38, 1-based): chr18:46,579,703, C>G on the plus strand (G>C on the coding strand, the complement: LOXHD1 is on the minus strand). VCF-style: chr18-46579703-C-G. GRCh37 (hg19) VCF-style: chr18-44159666-C-G.
Other names: c.1736G>C, p.Gly579Ala (NM_144612.7); short protein forms G579A.
Identifiers: ClinVar variation 1320437 (VCV001320437.4), dbSNP rs903294457, ClinGen allele CA299800845.

ClinVar aggregate classification (germline): Uncertain significance. Review status: criteria provided, multiple submitters, no conflicts (2 of 4 stars). 3 submissions from 3 submitters: Uncertain significance (3). Last evaluated 2025-12-02.

Conditions:
Inborn genetic diseases. Identifiers: MedGen C0950123, MeSH D030342.

Allele frequency attached by ClinVar (database versions not stated): TOPMed 0.00002; gnomAD 0.00002.
gnomAD v4.1: 32 of 1,551,656 alleles (0.0021%); highest among the groups gnomAD compares: Non-Finnish European, 0.0027%; no homozygotes.

Submissions (3):

Ambry Genetics
Classification: Uncertain significance for Inborn genetic diseases. Last evaluated: 2025-12-02. Review status: criteria provided, single submitter. Criteria: Ambry Variant Classification Scheme 2023. Collection method: clinical testing. Allele origin: germline.

Labcorp Genetics (formerly Invitae), Labcorp
Classification: Uncertain significance. Last evaluated: 2021-08-28. Review status: criteria provided, single submitter. Criteria: Invitae Variant Classification Sherloc (09022015). Collection method: clinical testing. Allele origin: germline.
Comment: This sequence change replaces glycine with alanine at codon 579 of the LOXHD1 protein (p.Gly579Ala). The glycine residue is moderately conserved and there is a small physicochemical difference between glycine and alanine. This variant is not present in population databases (ExAC no frequency). This variant has not been reported in the literature in individuals affected with LOXHD1-related conditions. Algorithms developed to predict the effect of missense changes on protein structure and function are either unavailable or do not agree on the potential impact of this missense change (SIFT: "Deleterious"; PolyPhen-2: "Benign"; Align-GVGD: "Class C0"). In summary, the available evidence is currently insufficient to determine the role of this variant in disease. Therefore, it has been classified as a Variant of Uncertain Significance.

GeneDx
Classification: Uncertain significance. Last evaluated: 2020-10-26. Review status: criteria provided, single submitter. Criteria: GeneDx Variant Classification Process June 2021. Collection method: clinical testing. Allele origin: germline. Affected: yes.
Comment: Not observed in large population cohorts (Lek et al., 2016); In silico analysis supports that this missense variant has a deleterious effect on protein structure/function; Has not been previously published as pathogenic or benign to our knowledge